The following is an entry in ClinVar:

ClinVar aggregate classification (germline): Uncertain significance (1 of 4 stars; one submission).

Conditions:
Hereditary cancer-predisposing syndrome. Also called: Neoplastic Syndromes, Hereditary; Tumor predisposition; Hereditary Cancer Syndrome; Hereditary neoplastic syndrome. Identifiers: Orphanet 140162, MedGen C0027672, MeSH D009386, MONDO:0015356.

Submission:

Ambry Genetics
Classification: Uncertain significance for Hereditary cancer-predisposing syndrome. Last evaluated: 2025-11-17. Review status: criteria provided, single submitter. Criteria: Ambry Variant Classification Scheme 2023. Collection method: clinical testing. Allele origin: germline.
Comment: The p.W554R variant (also known as c.1660T>A), located in coding exon 9 of the ALK gene, results from a T to A substitution at nucleotide position 1660. The tryptophan at codon 554 is replaced by arginine, an amino acid with dissimilar properties. This amino acid position is conserved. In addition, the in silico prediction for this alteration is inconclusive. Based on the available evidence, the clinical significance of this variant remains unclear.

NM_004304.5(ALK):c.1660T>A (p.Trp554Arg)

Gene: ALK (ALK receptor tyrosine kinase; minus strand). Cytogenetic location: 2p23.2.
Variant type: single nucleotide variant.
Coding change: c.1660T>A on transcript NM_004304.5 (MANE Select); coding-DNA position 1660, T replaced by A.
Protein change: p.Trp554Arg; replaces tryptophan 554 with arginine.
Molecular consequence: missense variant.
Genome position (GRCh38, 1-based): chr2:29,297,045, A>T on the plus strand (T>A on the coding strand, the complement: ALK is on the minus strand). VCF-style: chr2-29297045-A-T. GRCh37 (hg19) VCF-style: chr2-29519911-A-T.
Other names: short protein forms W554R.
Identifiers: ClinVar variation 4679708 (VCV004679708.1).
Genomic context (GRCh38, chr2:29,297,045, plus strand): 5'-CGGTTTTGTTCTCCACTAGCACCAAGGACACGTTTCCCCTCAAGACTCCACGAATGAGCC[A>T]GGACATTCGGAGCTGTGAGGGCGAGAAGAGTCAGAGGACAAGGTATGATTGCTGAAAGGT-3'
Protein context (NP_004295.2, residues 544-564): KSSPCELRMS[Trp554Arg]LIRGVLRGNV